The following is an entry in ClinVar:

GRCh38/hg38 10q11.22-11.23(chr10:45999930-49937908)x1

Genes: AGAP9 (ArfGAP with GTPase domain, ankyrin repeat and PH domain 9; minus strand), ANTXRL (ANTXR like; plus strand), ANXA8 (annexin A8; minus strand), ANXA8L1 (annexin A8 like 1; plus strand), ARHGAP22 (Rho GTPase activating protein 22; minus strand) and 109 more. Cytogenetic location: 10q11.22-11.23.
Variant type: copy number loss.
Change: copy number 1 (one copy instead of two) of chr10:45,999,930-49,937,908 (3.94 Mb, GRCh38 coordinates, 1-based), cytogenetic band 10q11.22-11.23.
Identifiers: ClinVar variation 58548 (VCV000058548.2).

ClinVar aggregate classification (germline): Uncertain significance (1 of 4 stars; one submission).

Submission:

GeneDx
Classification: Uncertain significance. Last evaluated: 2019-03-26. Review status: criteria provided, single submitter. Criteria: Kaminsky et al. (Genet Med. 2011). Collection method: clinical testing. Allele origin: de novo. Affected: yes. Observed: 1 variant allele.
Comment: The deleted interval contains 27 genes and transcripts; three of these genes, ERCC6, CHAT, and SLC18A3 are associated with inherited human disorders. Recurrent deletions of 10q11.22 have been described in individuals with a highly variable phenotype including developmental delay and intellectual disability. Autism spectrum disorders, epilepsy, and dysmorphic features have also been reported. Parental testing showed that deletions of this region were inherited from apparently normal parents in most cases, suggesting that additional factors likely play a role in the development of an abnormal phenotype. As such, the clinical consequence of this deletion is unknown. This region in its entirety is not known to vary in copy number in the normal population.